The following is an entry in ClinVar:

NM_007327.4(GRIN1):c.2228A>G (p.Lys743Arg)

Gene: GRIN1 (glutamate ionotropic receptor NMDA type subunit 1; plus strand). Cytogenetic location: 9q34.3.
Variant type: single nucleotide variant.
Coding change: c.2228A>G on transcript NM_007327.4 (MANE Select); coding-DNA position 2228, A replaced by G.
Protein change: p.Lys743Arg; replaces lysine 743 with arginine.
Molecular consequence: missense variant.
Genome position (GRCh38, 1-based): chr9:137,163,225, A>G. VCF-style: chr9-137163225-A-G. GRCh37 (hg19) VCF-style: chr9-140057677-A-G.
Other names: c.2228A>G, p.Lys743Arg (NM_000832.7, NM_021569.4); c.2291A>G, p.Lys764Arg (NM_001185090.2, NM_001185091.2); short protein forms K743R, K764R.
Identifiers: ClinVar variation 1708324 (VCV001708324.2), dbSNP rs2538645227, ClinGen allele CA375722965.

ClinVar aggregate classification (germline): Uncertain significance (1 of 4 stars; one submission).

Submission:

Centre of Medical Genetics, University Hospital Muenster
Classification: Uncertain significance. Last evaluated: 2021-12-10. Review status: criteria provided, single submitter. Criteria: ACMG Guidelines, 2015. Collection method: clinical testing. Allele origin: unknown. Affected: yes. Observed: 1 variant allele, 1 heterozygote.
Comment: ACMG categories: PM1,PM2